The following is an entry in ClinVar:

NM_000038.6(APC):c.4372C>G (p.Pro1458Ala)

Gene: APC (APC regulator of Wnt signaling pathway; plus strand). Cytogenetic location: 5q22.2.
Variant type: single nucleotide variant.
Coding change: c.4372C>G on transcript NM_000038.6 (MANE Select); coding-DNA position 4372, C replaced by G.
Protein change: p.Pro1458Ala; replaces proline 1458 with alanine.
Molecular consequence: missense variant. On other transcripts: non-coding transcript variant (2).
Genome position (GRCh38, 1-based): chr5:112,839,966, C>G. VCF-style: chr5-112839966-C-G. GRCh37 (hg19) VCF-style: chr5-112175663-C-G.
Other names: c.4372C>G, p.Pro1458Ala (NM_001127510.3, NM_001354895.2, NM_001407450.1); c.4318C>G, p.Pro1440Ala (NM_001127511.3); c.4426C>G, p.Pro1476Ala (NM_001354896.2, NM_001407447.1, NM_001407448.1 and 1 more transcripts); c.4402C>G, p.Pro1468Ala (NM_001354897.2); c.4297C>G, p.Pro1433Ala (NM_001354898.2); c.4288C>G, p.Pro1430Ala (NM_001354899.2); c.4249C>G, p.Pro1417Ala (NM_001354900.2); c.4195C>G, p.Pro1399Ala (NM_001354901.2, NM_001407453.1); and 11 more; short protein forms P1175A, P1332A, P1367A, P1430A, P1440A, P1298A, P1375A, P1417A.
Identifiers: ClinVar variation 2977732 (VCV002977732.3), dbSNP rs143796828, ClinGen allele CA16030906.

ClinVar aggregate classification (germline): Uncertain significance (1 of 4 stars; one submission).

Conditions:
Familial adenomatous polyposis 1 (FAP1). Also called: FAMILIAL ADENOMATOUS POLYPOSIS 1, ATTENUATED; POLYPOSIS, ADENOMATOUS INTESTINAL. Identifiers: MedGen C2713442, MONDO:0021056, OMIM 175100. Disease mechanism: loss of function.

Submission:

Labcorp Genetics (formerly Invitae), Labcorp
Classification: Uncertain significance for Familial adenomatous polyposis 1. Last evaluated: 2023-07-12. Review status: criteria provided, single submitter. Criteria: Invitae Variant Classification Sherloc (09022015). Collection method: clinical testing. Allele origin: germline.
Comment: In summary, the available evidence is currently insufficient to determine the role of this variant in disease. Therefore, it has been classified as a Variant of Uncertain Significance. Advanced modeling of protein sequence and biophysical properties (such as structural, functional, and spatial information, amino acid conservation, physicochemical variation, residue mobility, and thermodynamic stability) performed at Invitae indicates that this missense variant is not expected to disrupt APC protein function. This variant has not been reported in the literature in individuals affected with APC-related conditions. This variant is not present in population databases (gnomAD no frequency). This sequence change replaces proline, which is neutral and non-polar, with alanine, which is neutral and non-polar, at codon 1458 of the APC protein (p.Pro1458Ala).